The following is an entry in ClinVar:

ClinVar aggregate classification (germline): Likely pathogenic. Review status: criteria provided, single submitter (1 of 4 stars). 2 submissions from 2 submitters: Likely pathogenic (1). 1 of the submissions does not count toward it. Last evaluated 2025-05-06.

Conditions:
Basal cell nevus syndrome 1 (BCNS1). Also called: GORLIN-GOLTZ SYNDROME; MULTIPLE BASAL CELL NEVI, ODONTOGENIC KERATOCYSTS, AND SKELETAL ANOMALIES. Identifiers: MedGen CN376810, MONDO:0958174, OMIM 109400.
Holoprosencephaly 7 (HPE7). Identifiers: Orphanet 2162, MedGen C1835820, MONDO:0012562, OMIM 610828.

Submissions (2):

Clinical Genetics Laboratory, University Hospital Schleswig-Holstein
Classification: Likely pathogenic for Basal cell nevus syndrome 1. Last evaluated: 2025-05-06. Review status: criteria provided, single submitter. Criteria: ACMG Guidelines, 2015. Collection method: clinical testing. Allele origin: de novo. Affected: yes. Observed: 1 heterozygote.
Comment: ACMG criteria applied: PM2, PS4_Supporting, PP3, PS2_Moderate

Solve-RD Consortium
Classification: Likely pathogenic for Holoprosencephaly 7. Last evaluated: 2022-06-01. Review status: no assertion criteria provided. Collection method: provider interpretation. Allele origin: inherited. Affected: yes. Not counted in ClinVar's aggregate classification.
Comment: Variant confirmed as disease-causing by referring clinical team

Variant identified during reanalysis of unsolved cases by the Solve-RD project. The Solve-RD project has received funding from the European Union’s Horizon 2020 research and innovation programme under grant agreement No 779257.

Literature cited by the submitters: PubMed 39825153 (cited by Solve-RD Consortium).

NM_000264.5(PTCH1):c.202-3C>G

Genes: PTCH1 (patched 1; minus strand), LOC130002132 (ATAC-STARR-seq lymphoblastoid silent region 20069; plus strand). Cytogenetic location: 9q22.32.
Variant type: single nucleotide variant.
Coding change: c.202-3C>G on transcript NM_000264.5 (MANE Select); 3 bases into the intron before coding-DNA position 202, C replaced by G.
Molecular consequence: intron variant.
Genome position (GRCh38, 1-based): chr9:95,506,602, G>C on the plus strand (C>G on the coding strand, the complement: PTCH1 is on the minus strand). VCF-style: chr9-95506602-G-C. GRCh37 (hg19) VCF-style: chr9-98268884-G-C.
Other names: c.199-3C>G (NM_001083603.3); c.4-3C>G (NM_001083602.3, NM_001354919.2); c.202-3C>G (NM_001354918.2); c.-252-3C>G (NM_001083605.3, NM_001083604.3, NM_001083606.3 and 1 more transcripts).
Identifiers: ClinVar variation 3256739 (VCV003256739.2).